The following is an entry in ClinVar:

ClinVar aggregate classification (germline): Uncertain significance (1 of 4 stars; one submission).

Conditions:
Familial cold autoinflammatory syndrome 2 (FCAS2). Identifiers: Orphanet 247868, MedGen C2673198, MONDO:0012724, OMIM 611762.

Submission:

Labcorp Genetics (formerly Invitae), Labcorp
Classification: Uncertain significance for Familial cold autoinflammatory syndrome 2. Last evaluated: 2023-11-28. Review status: criteria provided, single submitter. Criteria: Invitae Variant Classification Sherloc (09022015). Collection method: clinical testing. Allele origin: germline.
Comment: This variant is a gross deletion of the genomic region encompassing exon(s) 7-8 of the NLRP12 gene. This variant would be expected to be in-frame, preserving the integrity of the reading frame. This variant has not been reported in the literature in individuals affected with NLRP12-related conditions. Experimental studies and prediction algorithms are not available or were not evaluated, and the functional significance of this variant is currently unknown. In summary, the available evidence is currently insufficient to determine the role of this variant in disease. Therefore, it has been classified as a Variant of Uncertain Significance.

NC_000019.10:g.(?_53798223)_(53801417_?)del

Gene: NLRP12 (NLR family pyrin domain containing 12; minus strand). Cytogenetic location: 19q13.42.
Variant type: Deletion.
Identifiers: ClinVar variation 536949 (VCV000536949.7).